The following is an entry in ClinVar:

ClinVar aggregate classification (germline): Uncertain significance (1 of 4 stars; one submission).

Conditions:
Mitochondrial trifunctional protein deficiency. Identifiers: Orphanet 746, MedGen C1969443, MONDO:0012172.
Long chain 3-hydroxyacyl-CoA dehydrogenase deficiency. Also called: LCHAD Deficiency; Deficiency of long-chain 3-hydroxyacyl-coenzyme A dehydrogenase. Identifiers: Orphanet 5, MedGen C3711645, MONDO:0012173, OMIM 609016.

Submission:

Labcorp Genetics (formerly Invitae), Labcorp
Classification: Uncertain significance for Mitochondrial trifunctional protein deficiency; Long chain 3-hydroxyacyl-CoA dehydrogenase deficiency. Last evaluated: 2024-02-23. Review status: criteria provided, single submitter. Criteria: Invitae Variant Classification Sherloc (09022015). Collection method: clinical testing. Allele origin: germline.
Comment: This sequence change falls in intron 14 of the HADHA gene. It does not directly change the encoded amino acid sequence of the HADHA protein. It affects a nucleotide within the consensus splice site. This variant is not present in population databases (gnomAD no frequency). This variant has not been reported in the literature in individuals affected with HADHA-related conditions. ClinVar contains an entry for this variant (Variation ID: 1998738). Variants that disrupt the consensus splice site are a relatively common cause of aberrant splicing (PMID: 17576681, 9536098). Algorithms developed to predict the effect of sequence changes on RNA splicing suggest that this variant is not likely to affect RNA splicing. In summary, the available evidence is currently insufficient to determine the role of this variant in disease. Therefore, it has been classified as a Variant of Uncertain Significance.

Literature cited by the submitters: PubMed 17576681; PubMed 9536098.

NM_000182.5(HADHA):c.1480-3C>T

Genes: GAREM2 (GRB2 associated regulator of MAPK1 subtype 2; plus strand), HADHA (hydroxyacyl-CoA dehydrogenase trifunctional multienzyme complex subunit alpha; minus strand). Cytogenetic location: 2p23.3.
Variant type: single nucleotide variant.
Coding change: c.1480-3C>T on transcript NM_000182.5 (MANE Select); 3 bases into the intron before coding-DNA position 1480, C replaced by T.
Molecular consequence: intron variant.
Genome position (GRCh38, 1-based): chr2:26,195,235, G>A on the plus strand (C>T on the coding strand, the complement: HADHA is on the minus strand). VCF-style: chr2-26195235-G-A. GRCh37 (hg19) VCF-style: chr2-26418104-G-A.
Identifiers: ClinVar variation 1998738 (VCV001998738.3), dbSNP rs2465517800, ClinGen allele CA2580066179.